The following is an entry in ClinVar:

NM_014845.6(FIG4):c.2242C>T (p.Pro748Ser)

Gene: FIG4 (FIG4 phosphoinositide 5-phosphatase; plus strand). Cytogenetic location: 6q21.
Variant type: single nucleotide variant.
Coding change: c.2242C>T on transcript NM_014845.6 (MANE Select); coding-DNA position 2242, C replaced by T.
Protein change: p.Pro748Ser; replaces proline 748 with serine.
Molecular consequence: missense variant.
Genome position (GRCh38, 1-based): chr6:109,791,437, C>T. VCF-style: chr6-109791437-C-T. GRCh37 (hg19) VCF-style: chr6-110112640-C-T.
Other names: short protein forms P748S.
Identifiers: ClinVar variation 1956854 (VCV001956854.7), dbSNP rs1000184263, ClinGen allele CA145139707.

ClinVar aggregate classification (germline): Uncertain significance. Review status: criteria provided, multiple submitters, no conflicts (2 of 4 stars). 2 submissions from 2 submitters: Uncertain significance (2). Last evaluated 2023-05-08.

Conditions:
Inborn genetic diseases. Identifiers: MedGen C0950123, MeSH D030342.
Charcot-Marie-Tooth disease type 4. Also called: Charcot-Marie-Tooth disease, type IV; Charcot-Marie-Tooth, Type 4. Identifiers: Orphanet 64749, MedGen C4082197, MONDO:0018995.

Allele frequency attached by ClinVar (database versions not stated): gnomAD 0.00001; TOPMed 0.00001.
gnomAD v4.1: 3 of 1,613,400 alleles (0.00019%); highest among the groups gnomAD compares: Admixed American, 0.0017%; no homozygotes.

Submissions (2):

Ambry Genetics
Classification: Uncertain significance for Inborn genetic diseases. Last evaluated: 2023-05-08. Review status: criteria provided, single submitter. Criteria: Ambry Variant Classification Scheme 2023. Collection method: clinical testing. Allele origin: germline.

Labcorp Genetics (formerly Invitae), Labcorp
Classification: Uncertain significance for Charcot-Marie-Tooth disease type 4. Last evaluated: 2022-01-15. Review status: criteria provided, single submitter. Criteria: Invitae Variant Classification Sherloc (09022015). Collection method: clinical testing. Allele origin: germline.
Comment: In summary, the available evidence is currently insufficient to determine the role of this variant in disease. Therefore, it has been classified as a Variant of Uncertain Significance. Algorithms developed to predict the effect of missense changes on protein structure and function (SIFT, PolyPhen-2, Align-GVGD) all suggest that this variant is likely to be tolerated. This variant has not been reported in the literature in individuals affected with FIG4-related conditions. This variant is present in population databases (no rsID available, gnomAD 0.01%). This sequence change replaces proline, which is neutral and non-polar, with serine, which is neutral and polar, at codon 748 of the FIG4 protein (p.Pro748Ser).